The following is an entry in ClinVar:

NM_006904.7(PRKDC):c.10502A>T (p.His3501Leu)

Gene: PRKDC (protein kinase, DNA-activated, catalytic subunit; minus strand). Cytogenetic location: 8q11.21.
Variant type: single nucleotide variant.
Coding change: c.10502A>T on transcript NM_006904.7 (MANE Select); coding-DNA position 10502, A replaced by T.
Protein change: p.His3501Leu; replaces histidine 3501 with leucine.
Molecular consequence: missense variant.
Genome position (GRCh38, 1-based): chr8:47,794,458, T>A on the plus strand (A>T on the coding strand, the complement: PRKDC is on the minus strand). VCF-style: chr8-47794458-T-A. GRCh37 (hg19) VCF-style: chr8-48707019-T-A.
Other names: c.10502A>T, p.His3501Leu (NM_001081640.2); short protein forms H3501L.
Identifiers: ClinVar variation 665556 (VCV000665556.4), dbSNP rs1489820955, ClinGen allele CA371134244.

ClinVar aggregate classification (germline): Uncertain significance (1 of 4 stars; one submission).

Conditions:
Severe combined immunodeficiency due to DNA-PKcs deficiency. Also called: IMMUNODEFICIENCY 26 WITH NEUROLOGIC ABNORMALITIES; Immunodeficiency 26 with or without neurologic abnormalities. Identifiers: Orphanet 317425, MedGen C4014833, MONDO:0014423, OMIM 615966.

Allele frequency attached by ClinVar (database versions not stated): gnomAD exomes below 0.00001; TOPMed 0.00001.
gnomAD v4.1: 2 of 1,613,738 alleles (0.00012%); highest among the groups gnomAD compares: Non-Finnish European, 0.00017%; no homozygotes.

Submission:

Labcorp Genetics (formerly Invitae), Labcorp
Classification: Uncertain significance for Severe combined immunodeficiency due to DNA-PKcs deficiency. Last evaluated: 2018-09-20. Review status: criteria provided, single submitter. Criteria: Invitae Variant Classification Sherloc (09022015). Collection method: clinical testing. Allele origin: germline.
Comment: Algorithms developed to predict the effect of missense changes on protein structure and function (SIFT, PolyPhen-2, Align-GVGD) all suggest that this variant is likely to be tolerated, but these predictions have not been confirmed by published functional studies and their clinical significance is uncertain. In summary, the available evidence is currently insufficient to determine the role of this variant in disease. Therefore, it has been classified as a Variant of Uncertain Significance. This variant has not been reported in the literature in individuals with PRKDC-related disease. This variant is not present in population databases (ExAC no frequency). This sequence change replaces histidine with leucine at codon 3501 of the PRKDC protein (p.His3501Leu). The histidine residue is weakly conserved and there is a moderate physicochemical difference between histidine and leucine.